The following is an entry in ClinVar:

NM_007294.4(BRCA1):c.3135T>A (p.Asn1045Lys)

Gene: BRCA1 (BRCA1 DNA repair associated; minus strand). Cytogenetic location: 17q21.31.
Variant type: single nucleotide variant.
Coding change: c.3135T>A on transcript NM_007294.4 (MANE Select); coding-DNA position 3135, T replaced by A.
Protein change: p.Asn1045Lys; replaces asparagine 1045 with lysine.
Molecular consequence: missense variant. On other transcripts: intron variant (137).
Genome position (GRCh38, 1-based): chr17:43,092,396, A>T on the plus strand (T>A on the coding strand, the complement: BRCA1 is on the minus strand). VCF-style: chr17-43092396-A-T. GRCh37 (hg19) VCF-style: chr17-41244413-A-T.
Other names: c.2994T>A, p.Asn998Lys (NM_001407738.1, NM_001407739.1, NM_001407750.1 and 29 more transcripts); c.2991T>A, p.Asn997Lys (NM_001407740.1, NM_001407741.1, NM_001407742.1 and 20 more transcripts); c.647-1364T>A (NM_001408469.1, NM_001408453.1, NM_001408461.1 and 11 more transcripts); c.785-1364T>A (NM_001408397.1, NM_001408401.1, NM_001408396.1 and 13 more transcripts); c.665-1364T>A (NM_001408436.1, NM_001408444.1, NM_001408438.1 and 12 more transcripts); c.788-1364T>A (NM_001407980.1, NM_001407993.1, NM_001407976.1 and 17 more transcripts); c.653-1364T>A (NM_001408451.1); c.644-1364T>A (NM_001408464.1, NM_001408468.1, NM_001408465.1 and 3 more transcripts); and 41 more; short protein forms N1003K, N1004K, N1018K, N1019K, N1042K, N1044K, N1045K, N749K.
Identifiers: ClinVar variation 1721824 (VCV001721824.9), dbSNP rs2053637366, ClinGen allele CA10595713.

ClinVar aggregate classification (germline): Conflicting classifications of pathogenicity. Review status: criteria provided, conflicting classifications (1 of 4 stars). 3 submissions from 3 submitters: Uncertain significance (2); Likely benign (1). Last evaluated 2023-10-06.

Conditions:
Hereditary cancer-predisposing syndrome. Also called: Hereditary neoplastic syndrome; Neoplastic Syndromes, Hereditary; Hereditary Cancer Syndrome; Tumor predisposition. Identifiers: Orphanet 140162, MedGen C0027672, MeSH D009386, MONDO:0015356.
Hereditary breast ovarian cancer syndrome. Also called: BRCA1- and BRCA2-Associated Hereditary Breast and Ovarian Cancer; Hereditary breast and ovarian cancer syndrome (HBOC); Hereditary breast and/or ovarian cancer syndrome; Hereditary breast and ovarian cancer syndrome; Hereditary breast and ovarian cancer; Breast and ovarian cancer. Identifiers: Orphanet 145, MedGen C0677776, MeSH D061325, MONDO:0003582. Disease mechanism: loss of function.

Submissions (3):

Ambry Genetics
Classification: Uncertain significance for Hereditary cancer-predisposing syndrome. Last evaluated: 2023-10-06. Review status: criteria provided, single submitter. Criteria: Ambry Variant Classification Scheme 2023. Collection method: clinical testing. Allele origin: germline.
Comment: The p.N1045K variant (also known as c.3135T>A), located in coding exon 9 of the BRCA1 gene, results from a T to A substitution at nucleotide position 3135. The asparagine at codon 1045 is replaced by lysine, an amino acid with similar properties. This amino acid position is conserved. In addition, the in silico prediction for this alteration is inconclusive. Since supporting evidence is limited at this time, the clinical significance of this alteration remains unclear.

University of Washington Department of Laboratory Medicine, University of Washington
Classification: Likely benign for Hereditary cancer-predisposing syndrome. Last evaluated: 2023-03-23. Review status: criteria provided, single submitter. Criteria: Dines et al. (Genet Med. 2020). Collection method: curation. Allele origin: germline.
Comment: Missense variant in a coldspot region where missense variants are very unlikely to be pathogenic (PMID:31911673).

BRCA1 coldspot (exon 11 using historical exon numbering). Reclassification based on statistical prior probability

Labcorp Genetics (formerly Invitae), Labcorp
Classification: Uncertain significance for Hereditary breast ovarian cancer syndrome. Last evaluated: 2022-10-18. Review status: criteria provided, single submitter. Criteria: Invitae Variant Classification Sherloc (09022015). Collection method: clinical testing. Allele origin: germline.
Comment: This sequence change replaces asparagine, which is neutral and polar, with lysine, which is basic and polar, at codon 1045 of the BRCA1 protein (p.Asn1045Lys). This variant is not present in population databases (gnomAD no frequency). This variant has not been reported in the literature in individuals affected with BRCA1-related conditions. Advanced modeling of protein sequence and biophysical properties (such as structural, functional, and spatial information, amino acid conservation, physicochemical variation, residue mobility, and thermodynamic stability) performed at Invitae indicates that this missense variant is not expected to disrupt BRCA1 protein function. In summary, the available evidence is currently insufficient to determine the role of this variant in disease. Therefore, it has been classified as a Variant of Uncertain Significance.